The following is an entry in ClinVar:

NM_006031.6(PCNT):c.8781C>G (p.Asp2927Glu)

Gene: PCNT (pericentrin; plus strand). Cytogenetic location: 21q22.3.
Variant type: single nucleotide variant.
Coding change: c.8781C>G on transcript NM_006031.6 (MANE Select); coding-DNA position 8781, C replaced by G.
Protein change: p.Asp2927Glu; replaces aspartic acid 2927 with glutamic acid.
Molecular consequence: missense variant.
Genome position (GRCh38, 1-based): chr21:46,435,933, C>G. VCF-style: chr21-46435933-C-G. GRCh37 (hg19) VCF-style: chr21-47855846-C-G.
Other names: c.8190C>G, p.Asp2730Glu (NM_001315529.2); short protein forms D2730E, D2927E.
Identifiers: ClinVar variation 3351341 (VCV003351341.2).

ClinVar aggregate classification (germline): Uncertain significance. Review status: criteria provided, single submitter (1 of 4 stars). 2 submissions from 2 submitters: Uncertain significance (1). 1 of the submissions does not count toward it. Last evaluated 2025-11-06.

Conditions:
Inborn genetic diseases. Identifiers: MedGen C0950123, MeSH D030342.
PCNT-related disorder. Also called: PCNT-related condition.

gnomAD v4.1: 13 of 1,614,090 alleles (0.00081%); highest among the groups gnomAD compares: Non-Finnish European, 0.001%; no homozygotes.

Submissions (2):

Ambry Genetics
Classification: Uncertain significance for Inborn genetic diseases. Last evaluated: 2025-11-06. Review status: criteria provided, single submitter. Criteria: Ambry Variant Classification Scheme 2023. Collection method: clinical testing. Allele origin: germline.

PreventionGenetics, part of Exact Sciences
Classification: Uncertain significance for PCNT-related condition. Last evaluated: 2024-01-29. Review status: no assertion criteria provided. Collection method: clinical testing. Allele origin: germline. Not counted in ClinVar's aggregate classification.
Comment: The PCNT c.8781C>G variant is predicted to result in the amino acid substitution p.Asp2927Glu. To our knowledge, this variant has not been reported in the literature. This variant is reported in 0.0023% of alleles in individuals of European (Non-Finnish) descent in gnomAD. At this time, the clinical significance of this variant is uncertain due to the absence of conclusive functional and genetic evidence.